The following is an entry in ClinVar:

ClinVar aggregate classification (germline): Uncertain significance. Review status: criteria provided, multiple submitters, no conflicts (2 of 4 stars). 2 submissions from 2 submitters: Uncertain significance (2). Last evaluated 2024-12-24.

Conditions:
Inborn genetic diseases. Identifiers: MedGen C0950123, MeSH D030342.
Mucolipidosis type II. Also called: Mucolipidosis 2; ML 2; Inclusion cell disease; Leroy Disease; N-acetylglucosamine 1phosphotransferase deficiency; ML disorder type 2. Identifiers: Orphanet 576, MedGen C2673377, MONDO:0009650, OMIM 252500.
Pseudo-Hurler polydystrophy. Also called: ML IIIA; Mucolipidosis III Alpha/Beta; MUCOLIPIDOSIS IIIA; ML III; ML III ALPHA/BETA; Type III Mucolipidosis. Identifiers: Orphanet 423461, Orphanet 577, MedGen C0033788, MONDO:0018931, OMIM 252600.

Allele frequency attached by ClinVar (database versions not stated): 1000 Genomes Project 30x 0.00016; ExAC 0.00002; 1000 Genomes Project 0.00020.
gnomAD v4.1: 3 of 1,614,118 alleles (0.00019%); highest among the groups gnomAD compares: East Asian, 0.0067%; no homozygotes.

Submissions (2):

Ambry Genetics
Classification: Uncertain significance for Inborn genetic diseases. Last evaluated: 2024-12-24. Review status: criteria provided, single submitter. Criteria: Ambry Variant Classification Scheme 2023. Collection method: clinical testing. Allele origin: germline.

Labcorp Genetics (formerly Invitae), Labcorp
Classification: Uncertain significance for Pseudo-Hurler polydystrophy; Mucolipidosis type II. Last evaluated: 2022-09-12. Review status: criteria provided, single submitter. Criteria: Invitae Variant Classification Sherloc (09022015). Collection method: clinical testing. Allele origin: germline.
Comment: This sequence change replaces leucine, which is neutral and non-polar, with phenylalanine, which is neutral and non-polar, at codon 303 of the GNPTAB protein (p.Leu303Phe). This variant is present in population databases (rs571919952, gnomAD 0.006%). This variant has not been reported in the literature in individuals affected with GNPTAB-related conditions. Advanced modeling of protein sequence and biophysical properties (such as structural, functional, and spatial information, amino acid conservation, physicochemical variation, residue mobility, and thermodynamic stability) performed at Invitae indicates that this missense variant is not expected to disrupt GNPTAB protein function. In summary, the available evidence is currently insufficient to determine the role of this variant in disease. Therefore, it has been classified as a Variant of Uncertain Significance.

NM_024312.5(GNPTAB):c.909A>C (p.Leu303Phe)

Gene: GNPTAB (N-acetylglucosamine-1-phosphate transferase subunits alpha and beta; minus strand). Cytogenetic location: 12q23.2.
Variant type: single nucleotide variant.
Coding change: c.909A>C on transcript NM_024312.5 (MANE Select); coding-DNA position 909, A replaced by C.
Protein change: p.Leu303Phe; replaces leucine 303 with phenylalanine.
Molecular consequence: missense variant.
Genome position (GRCh38, 1-based): chr12:101,771,020, T>G on the plus strand (A>C on the coding strand, the complement: GNPTAB is on the minus strand). VCF-style: chr12-101771020-T-G. GRCh37 (hg19) VCF-style: chr12-102164798-T-G.
Other names: c.909A>C (NM_024312.4); short protein forms L303F.
Identifiers: ClinVar variation 2160031 (VCV002160031.2), dbSNP rs571919952, ClinGen allele CA6746767.